The following is an entry in ClinVar:

NM_001378609.3(OTOGL):c.4531G>T (p.Asp1511Tyr)

Gene: OTOGL (otogelin like; plus strand). Cytogenetic location: 12q21.31.
Variant type: single nucleotide variant.
Coding change: c.4531G>T on transcript NM_001378609.3 (MANE Select); coding-DNA position 4531, G replaced by T.
Protein change: p.Asp1511Tyr; replaces aspartic acid 1511 with tyrosine.
Molecular consequence: missense variant.
Genome position (GRCh38, 1-based): chr12:80,336,071, G>T. VCF-style: chr12-80336071-G-T. GRCh37 (hg19) VCF-style: chr12-80729851-G-T.
Other names: c.4396G>T, p.Asp1466Tyr (NM_001368062.3); c.4531G>T, p.Asp1511Tyr (NM_001378610.3, NM_173591.7); short protein forms D1466Y, D1511Y.
Identifiers: ClinVar variation 1513821 (VCV001513821.8), dbSNP rs750836322, ClinGen allele CA6701413.

ClinVar aggregate classification (germline): Uncertain significance (1 of 4 stars; one submission).

Allele frequency attached by ClinVar (database versions not stated): ExAC 0.00001; gnomAD exomes 0.00001; TOPMed 0.00001.
gnomAD v4.1: 11 of 1,598,768 alleles (0.00069%); highest among the groups gnomAD compares: Middle Eastern, 0.017%; no homozygotes.

Submission:

Labcorp Genetics (formerly Invitae), Labcorp
Classification: Uncertain significance. Last evaluated: 2023-10-03. Review status: criteria provided, single submitter. Criteria: Invitae Variant Classification Sherloc (09022015). Collection method: clinical testing. Allele origin: germline.
Comment: This sequence change replaces aspartic acid, which is acidic and polar, with tyrosine, which is neutral and polar, at codon 1502 of the OTOGL protein (p.Asp1502Tyr). This variant is present in population databases (rs750836322, gnomAD 0.006%). This missense change has been observed in individual(s) with congenital deafness (Invitae). ClinVar contains an entry for this variant (Variation ID: 1513821). An algorithm developed to predict the effect of missense changes on protein structure and function (PolyPhen-2) suggests that this variant is likely to be disruptive. In summary, the available evidence is currently insufficient to determine the role of this variant in disease. Therefore, it has been classified as a Variant of Uncertain Significance.